The following is an entry in ClinVar:

NM_000235.4(LIPA):c.*1093C>T

Gene: LIPA (lipase A, lysosomal acid type; minus strand). Cytogenetic location: 10q23.31.
Variant type: single nucleotide variant.
Coding change: c.*1093C>T on transcript NM_000235.4 (MANE Select); 1093 bases downstream of the stop codon, C replaced by T.
Molecular consequence: 3 prime UTR variant.
Genome position (GRCh38, 1-based): chr10:89,213,735, G>A on the plus strand (C>T on the coding strand, the complement: LIPA is on the minus strand). VCF-style: chr10-89213735-G-A. GRCh37 (hg19) VCF-style: chr10-90973492-G-A.
Other names: c.*1093C>T (NM_001127605.3, NM_001288979.2).
Identifiers: ClinVar variation 301549 (VCV000301549.9), dbSNP rs13500, ClinGen allele CA10632825.

ClinVar aggregate classification (germline): Benign/Likely benign. Review status: criteria provided, multiple submitters, no conflicts (2 of 4 stars). 3 submissions from 3 submitters: Benign (2); Likely benign (1). Last evaluated 2021-05-13.

Conditions:
Lysosomal acid lipase deficiency. Also called: Acid cholesteryl ester hydrolase deficiency, type 2. Identifiers: Orphanet 275761, MedGen C5574740, MONDO:0800449, MONDO:0010204.

Allele frequency attached by ClinVar (database versions not stated): gnomAD 0.11025 and 0.11269; TOPMed 0.11530; 1000 Genomes Project 0.10104; 1000 Genomes Project 30x 0.10275.

Submissions (3):

GeneDx
Classification: Benign. Last evaluated: 2021-05-13. Review status: criteria provided, single submitter. Criteria: GeneDx Variant Classification Process June 2021. Collection method: clinical testing. Allele origin: germline. Affected: yes.

Illumina Laboratory Services, Illumina
Classification: Benign for Cholesteryl ester storage disease. Last evaluated: 2018-01-13. Review status: criteria provided, single submitter. Criteria: ICSL Variant Classification Criteria 13 December 2019. Collection method: clinical testing. Allele origin: germline.
Comment: This variant was observed in the ICSL laboratory as part of a predisposition screen in an ostensibly healthy population. It had not been previously curated by ICSL or reported in the Human Gene Mutation Database (HGMD: prior to June 1st, 2018), and was therefore a candidate for classification through an automated scoring system. Utilizing variant allele frequency, disease prevalence and penetrance estimates, and inheritance mode, an automated score was calculated to assess if this variant is too frequent to cause the disease. Based on the score and internal cut-off values, a variant classified as benign is not then subjected to further curation. The score for this variant resulted in a classification of benign for this disease.

Breakthrough Genomics
Classification: Likely benign. Review status: criteria provided, single submitter. Criteria: ACMG Guidelines, 2015. Collection method: not provided. Allele origin: germline. Inheritance: Autosomal recessive inheritance. Affected: yes.